The following is an entry in ClinVar:

NM_003873.7(NRP1):c.2457C>T (p.Asn819=)

Gene: NRP1 (neuropilin 1; minus strand). Cytogenetic location: 10p11.22.
Variant type: single nucleotide variant.
Coding change: c.2457C>T on transcript NM_003873.7 (MANE Select); coding-DNA position 2457, C replaced by T.
Protein change: p.Asn819=; no amino-acid change (asparagine 819 retained).
Molecular consequence: synonymous variant. On other transcripts: non-coding transcript variant (1), intron variant (1).
Genome position (GRCh38, 1-based): chr10:33,182,723, G>A on the plus strand (C>T on the coding strand, the complement: NRP1 is on the minus strand). VCF-style: chr10-33182723-G-A. GRCh37 (hg19) VCF-style: chr10-33471651-G-A.
Other names: c.2439C>T, p.Asn813= (NM_001244972.2); c.2436C>T, p.Asn812= (NM_001244973.2); c.2432-2358C>T (NM_001330068.2).
Identifiers: ClinVar variation 4984897 (VCV004984897.1).

ClinVar aggregate classification (germline): Likely benign (1 of 4 stars; one submission).

Conditions:
NRP1-related disorder. Also called: NRP1-related condition.

gnomAD v4.1: 12 of 1,612,730 alleles (0.00074%); highest among the groups gnomAD compares: African/African-American, 0.0013%; no homozygotes.

Submission:

PreventionGenetics, part of Exact Sciences
Classification: Likely benign for NRP1-related condition. Last evaluated: 2025-01-18. Review status: criteria provided, single submitter. Criteria: ACMG Guidelines, 2015. Collection method: clinical testing. Allele origin: germline.
Comment: This variant is classified as likely benign based on ACMG/AMP sequence variant interpretation guidelines (Richards et al. 2015 PMID: 25741868, with internal and published modifications).